The following is an entry in ClinVar:

NM_020203.6(MEPE):c.54+4_54+7del

Genes: MEPE (matrix extracellular phosphoglycoprotein; plus strand), MEPE-AS1 (MEPE and IBSP antisense RNA 1; minus strand). Cytogenetic location: 4q22.1.
Variant type: Microsatellite.
Coding change: c.54+4_54+7del on transcript NM_020203.6 (MANE Select); bases 4 to 7 of the intron after coding-DNA position 54, 4 bases deleted (AGTA; older notation c.54+4_54+7delAGTA).
Molecular consequence: splice donor variant.
Genome position (GRCh38, 1-based): chr4:87,834,772-87,834,775, AGTA deleted; deleting any 4 consecutive bases within chr4:87,834,768-87,834,775 gives the same sequence; the c. name uses the placement nearest the transcript's 3' end. VCF-style (leftmost placement, unchanged base first): chr4-87834767-CAGTA-C. GRCh37 (hg19) VCF-style: chr4-88755919-CAGTA-C.
Other names: c.54+4_54+7del (NM_001184694.3, NM_001291183.2); c.-485+4_-485+7del (NM_001184697.2); c.-414+4_-414+7del (NM_001184696.2); c.-392+4_-392+7del (NM_001184695.4).
Identifiers: ClinVar variation 4978359 (VCV004978359.1).

ClinVar aggregate classification (germline): Uncertain significance (1 of 4 stars; one submission).

Conditions:
MEPE-related disorder. Also called: MEPE-related condition.

Submission:

PreventionGenetics, part of Exact Sciences
Classification: Uncertain significance for MEPE-related condition. Last evaluated: 2026-07-10. Review status: criteria provided, single submitter. Criteria: ACMG Guidelines, 2015. Collection method: clinical testing. Allele origin: germline.
Comment: The MEPE c.54+4_54+7delAGTA variant is predicted to result in an intronic deletion. This variant is predicted to impact splicing based on available splicing prediction programs (SpliceAI, Jaganathan et al. 2019. PubMed ID: 30661751). To our knowledge, this variant has not been reported in the literature or in a large population database (gnomAD), indicating this variant is rare. At this time, the clinical significance of this variant is uncertain due to the absence of conclusive functional and genetic evidence.